The following is an entry in ClinVar:

NM_002608.4(PDGFB):c.70C>A (p.Pro24Thr)

Gene: PDGFB (platelet derived growth factor subunit B; minus strand). Cytogenetic location: 22q13.1.
Variant type: single nucleotide variant.
Coding change: c.70C>A on transcript NM_002608.4 (MANE Select); coding-DNA position 70, C replaced by A.
Protein change: p.Pro24Thr; replaces proline 24 with threonine.
Molecular consequence: missense variant.
Genome position (GRCh38, 1-based): chr22:39,235,868, G>T on the plus strand (C>A on the coding strand, the complement: PDGFB is on the minus strand). VCF-style: chr22-39235868-G-T. GRCh37 (hg19) VCF-style: chr22-39631873-G-T.
Other names: c.25C>A, p.Pro9Thr (NM_033016.3); short protein forms P24T, P9T.
Identifiers: ClinVar variation 1806159 (VCV001806159.1), dbSNP rs2517767704, ClinGen allele CA411603154.
Genomic context (GRCh38, chr22:39,235,868, plus strand): 5'-GATCATCAAAGGAGCGGATCGAGTGGTCACTCAGCATCTCATAAAGCTCCTCGGGAATGG[G>T]GTCCCCCTGCCGGGCAGACACCAAAAGGCTGAGTGAGCTGGGAGTGGGGGCTTTCCAGCA-3'
Protein context (NP_002599.1, residues 14-34): YLRLVSAEGD[Pro24Thr]IPEELYEMLS

ClinVar aggregate classification (germline): Uncertain significance (1 of 4 stars; one submission).

Conditions:
Basal ganglia calcification, idiopathic, 5. Also called: PRIMARY FAMILIAL BRAIN CALCIFICATION 5, AUTOSOMAL DOMINANT. Identifiers: Orphanet 1980, MedGen C3809645, MONDO:0014204, OMIM 615483.

Allele frequency attached by ClinVar (database versions not stated): gnomAD exomes below 0.00001.
gnomAD v4.1: 6 of 1,612,778 alleles (0.00037%); highest among the groups gnomAD compares: Non-Finnish European, 0.00051%; no homozygotes.

Submission:

Victorian Clinical Genetics Services, Murdoch Childrens Research Institute
Classification: Uncertain significance for Basal ganglia calcification, idiopathic, 5. Last evaluated: 2020-05-21. Review status: criteria provided, single submitter. Criteria: ACMG Guidelines, 2015. Collection method: clinical testing. Allele origin: germline. Inheritance: Autosomal dominant inheritance. Affected: yes.
Comment: A heterozygous missense variant, NM_002608.3(PDGFB):c.70C>A, has been identified in exon 2 of 7 of the PDGFB gene. The variant is predicted to result in a minor amino acid change from proline to threonine at position 24 of the protein (NP_002599.1(PDGFB):p.(Pro24Thr)). The proline residue at this position has high conservation (100 vertebrates, UCSC), and is located within the platelet-derived growth factor, N terminal region. In silico predictions for this variant are consistently pathogenic (Polyphen, SIFT, CADD, Mutation Taster). The variant is absent in population databases (gnomAD). An alternative residue change to arginine has been reported in the gnomAD database at a frequency of 0.0004%. This variant has not been previously reported in clinical cases. Based on the information available at the time of curation, this variant has been classified as a VARIANT of UNCERTAIN SIGNIFICANCE (VUS) with LOW CLINICAL RELEVANCE.